The following is an entry in ClinVar:

NM_001458.5(FLNC):c.1207G>C (p.Ala403Pro)

Gene: FLNC (filamin C; plus strand). Cytogenetic location: 7q32.1.
Variant type: single nucleotide variant.
Coding change: c.1207G>C on transcript NM_001458.5 (MANE Select); coding-DNA position 1207, G replaced by C.
Protein change: p.Ala403Pro; replaces alanine 403 with proline.
Molecular consequence: missense variant.
Genome position (GRCh38, 1-based): chr7:128,838,426, G>C. VCF-style: chr7-128838426-G-C. GRCh37 (hg19) VCF-style: chr7-128478480-G-C.
Other names: c.1207G>C, p.Ala403Pro (NM_001127487.2); short protein forms A403P.
Identifiers: ClinVar variation 4812403 (VCV004812403.1).

ClinVar aggregate classification (germline): Uncertain significance (1 of 4 stars; one submission).

Conditions:
Hypertrophic cardiomyopathy 26. Also called: Cardiomyopathy, familial hypertrophic, 26. Identifiers: Orphanet 75249, MedGen C4310749, MONDO:0014883, OMIM 617047.
Myofibrillar myopathy 5. Also called: Filaminopathy (type); FILAMINOPATHY, AUTOSOMAL DOMINANT. Identifiers: Orphanet 171445, MedGen C1836050, MONDO:0012289, OMIM 609524.
Distal myopathy with posterior leg and anterior hand involvement. Also called: WILLIAMS DISTAL MYOPATHY. Identifiers: Orphanet 63273, MedGen C3279722, MONDO:0013550, OMIM 614065.

Submission:

Labcorp Genetics (formerly Invitae), Labcorp
Classification: Uncertain significance for Distal myopathy with posterior leg and anterior hand involvement; Myofibrillar myopathy 5; Hypertrophic cardiomyopathy 26. Last evaluated: 2025-12-08. Review status: criteria provided, single submitter. Criteria: Invitae Variant Classification Sherloc (09022015). Collection method: clinical testing. Allele origin: germline.
Comment: This sequence change replaces alanine, which is neutral and non-polar, with proline, which is neutral and non-polar, at codon 403 of the FLNC protein (p.Ala403Pro). This variant is not present in population databases (gnomAD no frequency). This variant has not been reported in the literature in individuals affected with FLNC-related conditions. Invitae Evidence Modeling of protein sequence and biophysical properties (such as structural, functional, and spatial information, amino acid conservation, physicochemical variation, residue mobility, and thermodynamic stability) has been performed for this missense variant. However, the output from this modeling did not meet the statistical confidence thresholds required to predict the impact of this variant on FLNC protein function. In summary, the available evidence is currently insufficient to determine the role of this variant in disease. Therefore, it has been classified as a Variant of Uncertain Significance.